The following is an entry in ClinVar:

ClinVar aggregate classification (germline): Conflicting classifications of pathogenicity. Review status: criteria provided, conflicting classifications (1 of 4 stars). 4 submissions from 4 submitters: Uncertain significance (1); Likely benign (3). Last evaluated 2024-11-12.

Conditions:
OTOG-related disorder. Also called: OTOG-related condition.

Allele frequency attached by ClinVar (database versions not stated): 1000 Genomes Project 30x 0.00016; 1000 Genomes Project 0.00020; TOPMed 0.00029; gnomAD 0.00031; gnomAD exomes 0.00031 and 0.00050; ExAC 0.00055.
gnomAD v4.1: 727 of 1,550,614 alleles (0.047%); highest among the groups gnomAD compares: South Asian, 0.073%; 2 homozygotes.

Submissions (4):

PreventionGenetics, part of Exact Sciences
Classification: Likely benign for OTOG-related condition. Last evaluated: 2024-11-12. Review status: criteria provided, single submitter. Criteria: ACMG Guidelines, 2015. Collection method: clinical testing. Allele origin: germline.
Comment: This variant is classified as likely benign based on ACMG/AMP sequence variant interpretation guidelines (Richards et al. 2015 PMID: 25741868, with internal and published modifications).

Blueprint Genetics
Classification: Uncertain significance. Last evaluated: 2024-09-24. Review status: criteria provided, single submitter. Criteria: ACMG Guidelines, 2015. Collection method: clinical testing. Allele origin: germline.

Labcorp Genetics (formerly Invitae), Labcorp
Classification: Likely benign. Last evaluated: 2024-08-08. Review status: criteria provided, single submitter. Criteria: Invitae Variant Classification Sherloc (09022015). Collection method: clinical testing. Allele origin: germline.

GeneDx
Classification: Likely benign. Last evaluated: 2020-03-20. Review status: criteria provided, single submitter. Criteria: GeneDx Variant Classification Process June 2021. Collection method: clinical testing. Allele origin: germline. Affected: yes.

NM_001292063.2(OTOG):c.6934-10A>G

Gene: OTOG (otogelin; plus strand). Cytogenetic location: 11p15.1.
Variant type: single nucleotide variant.
Coding change: c.6934-10A>G on transcript NM_001292063.2 (MANE Select); 10 bases into the intron before coding-DNA position 6934, A replaced by G.
Molecular consequence: intron variant.
Genome position (GRCh38, 1-based): chr11:17,632,078, A>G. VCF-style: chr11-17632078-A-G. GRCh37 (hg19) VCF-style: chr11-17653625-A-G.
Other names: c.6970-10A>G (NM_001277269.2, NM_001277269.1).
Identifiers: ClinVar variation 1217771 (VCV001217771.13), dbSNP rs543721711, ClinGen allele CA5906077.